The following is an entry in ClinVar:

NM_005045.4(RELN):c.1331C>A (p.Thr444Lys)

Genes: RELN (reelin; minus strand), LOC126860131 (MED14-independent group 3 enhancer GRCh37_chr7:103301048-103302247; plus strand). Cytogenetic location: 7q22.1.
Variant type: single nucleotide variant.
Coding change: c.1331C>A on transcript NM_005045.4 (MANE Select); coding-DNA position 1331, C replaced by A.
Protein change: p.Thr444Lys; replaces threonine 444 with lysine.
Molecular consequence: missense variant.
Genome position (GRCh38, 1-based): chr7:103,661,486, G>T on the plus strand (C>A on the coding strand, the complement: RELN is on the minus strand). VCF-style: chr7-103661486-G-T. GRCh37 (hg19) VCF-style: chr7-103301933-G-T.
Other names: c.1331C>A, p.Thr444Lys (NM_173054.3); short protein forms T444K.
Identifiers: ClinVar variation 3761325 (VCV003761325.2).

ClinVar aggregate classification (germline): Uncertain significance (1 of 4 stars; one submission).

Conditions:
Norman-Roberts syndrome (LIS2). Also called: Lissencephaly 2 (Norman-Roberts type). Identifiers: Orphanet 89844, MedGen C0796089, MONDO:0009760, OMIM 257320.
Familial temporal lobe epilepsy 7. Identifiers: Orphanet 101046, MedGen C4225327, MONDO:0014639, OMIM 616436.

gnomAD v4.1: 5 of 1,613,200 alleles (0.00031%); highest among the groups gnomAD compares: African/African-American, 0.0054%; no homozygotes.

Submission:

Labcorp Genetics (formerly Invitae), Labcorp
Classification: Uncertain significance for Familial temporal lobe epilepsy 7; Norman-Roberts syndrome. Last evaluated: 2025-11-12. Review status: criteria provided, single submitter. Criteria: Invitae Variant Classification Sherloc (09022015). Collection method: clinical testing. Allele origin: germline.
Comment: This sequence change replaces threonine, which is neutral and polar, with lysine, which is basic and polar, at codon 444 of the RELN protein (p.Thr444Lys). This variant is not present in population databases (gnomAD no frequency). This variant has not been reported in the literature in individuals affected with RELN-related conditions. ClinVar contains an entry for this variant (Variation ID: 3761325). Invitae Evidence Modeling of protein sequence and biophysical properties (such as structural, functional, and spatial information, amino acid conservation, physicochemical variation, residue mobility, and thermodynamic stability) indicates that this missense variant is not expected to disrupt RELN protein function with a negative predictive value of 80%. In summary, the available evidence is currently insufficient to determine the role of this variant in disease. Therefore, it has been classified as a Variant of Uncertain Significance.